The following is an entry in ClinVar:

ClinVar aggregate classification (germline): Pathogenic (1 of 4 stars; one submission).

Conditions:
Familial intrahepatic cholestasis. Identifiers: Orphanet 284385, MedGen CN296401, MONDO:0017290.

Submission:

Genomenon, Inc
Classification: Pathogenic for Familial intrahepatic cholestasis. Last evaluated: 2026-04-14. Review status: criteria provided, single submitter. Criteria: Genomenon Sequence Variant Interpretation Standards - Updated. Collection method: curation. Allele origin: germline. Affected: yes.
Comment: ABCB11 p.Pro740GlnfsTer6 (c.2219del) is a frameshift variant that results in the production of a truncated protein which is predicted to undergo nonsense-mediated mRNA decay. This variant has been observed in at least one proband with an ABCB11-related disorder (PMID:26382629). It is absent or not present at a significant frequency in gnomAD. In conclusion, we classify ABCB11 p.Pro740GlnfsTer6 (c.2219del) as a pathogenic variant.

Literature cited by the submitters: PubMed 26382629.

NM_003742.4(ABCB11):c.2219del (p.Pro740fs)

Gene: ABCB11 (ATP binding cassette subfamily B member 11; minus strand). Cytogenetic location: 2q31.1.
Variant type: Deletion.
Coding change: c.2219del on transcript NM_003742.4 (MANE Select); coding-DNA position 2219, one base deleted (C; older notation c.2219delC).
Protein change: p.Pro740fs; shifts the reading frame from proline 740.
Molecular consequence: frameshift variant.
Genome position (GRCh38, 1-based): chr2:168,958,088, G deleted on the plus strand (C on the coding strand, the reverse complement: ABCB11 is on the minus strand); the first of 4 consecutive G bases (chr2:168,958,088-168,958,091); deleting any one gives the same sequence. VCF-style (leftmost placement, unchanged base first): chr2-168958087-TG-T. GRCh37 (hg19) VCF-style: chr2-169814597-TG-T.
Other names: short protein forms P740fs.
Identifiers: ClinVar variation 4846116 (VCV004846116.1).
Genomic context (GRCh38, chr2:168,958,087, plus strand): 5'-CACAGACCCTACCAGCATGTAGGGCCATTCTGGAGCACTGAATTTCAGAATCCTCCTAAC[TG>T]GGGCAGGTTCAACTTCTTCCTGCACAGGAATGTCCTTGTCCTTGAGCAGAGAGAGGGTTA-3'